The following is an entry in ClinVar:

NM_014846.4(WASHC5):c.3335+2T>A

Genes: WASHC5 (WASH complex subunit 5; minus strand), LOC126860498 (P300/CBP strongly-dependent group 1 enhancer GRCh37_chr8:126043836-126045035; plus strand). Cytogenetic location: 8q24.13.
Variant type: single nucleotide variant.
Coding change: c.3335+2T>A on transcript NM_014846.4 (MANE Select); the canonical splice donor site of the intron after coding-DNA position 3335, T replaced by A.
Molecular consequence: splice donor variant.
Genome position (GRCh38, 1-based): chr8:125,032,239, A>T on the plus strand (T>A on the coding strand, the complement: WASHC5 is on the minus strand). VCF-style: chr8-125032239-A-T. GRCh37 (hg19) VCF-style: chr8-126044481-A-T.
Other names: IVS27DS, T-A, +2; c.2891+2T>A (NM_001330609.2).
Identifiers: ClinVar variation 92129 (VCV000092129.6), dbSNP rs398123007, ClinGen allele CA145522.

ClinVar aggregate classification (germline): Likely pathogenic. Review status: criteria provided, single submitter (1 of 4 stars). 4 submissions from 4 submitters: Likely pathogenic (1). 3 of the submissions do not count toward it. Last evaluated 2026-02-06.

Conditions:
WASHC5-related disorder. Also called: WASHC5-related condition.
Ritscher-Schinzel syndrome 1 (RTSC1). Identifiers: Orphanet 7, MedGen C4551776, MONDO:0009073, OMIM 220210.

Allele frequency attached by ClinVar (database versions not stated): gnomAD exomes below 0.00001.
gnomAD v4.1: 3 of 1,614,062 alleles (0.00019%); highest among the groups gnomAD compares: Admixed American, 0.0017%; no homozygotes.

Submissions (4):

GeneDx
Classification: Likely pathogenic. Last evaluated: 2026-02-06. Review status: criteria provided, single submitter. Criteria: GeneDx Variant Classification Process June 2021. Collection method: clinical testing. Allele origin: germline. Affected: yes.
Comment: Not observed at significant frequency in large population cohorts (gnomAD); Canonical splice site variant in a gene or region of a gene for which loss of function is not a well-established mechanism of disease; This variant is associated with the following publications: (PMID: 31971710, 7604842, 24916641, 24065355, 31911435, 34020006, 40448120)

PreventionGenetics, part of Exact Sciences
Classification: Pathogenic for WASHC5-related condition. Last evaluated: 2024-04-18. Review status: no assertion criteria provided. Collection method: clinical testing. Allele origin: germline. Not counted in ClinVar's aggregate classification.
Comment: The WASHC5 c.3335+2T>A variant is predicted to disrupt the GT donor site and interfere with normal splicing. In addition to the c.3335+2T>A variant, two likely benign intronic substitutions (c.3335+4C>A and c.3335+8A>G - not displayed in the table above) were detected on the same allele (in cis). This haplotype c.[3335+2T>A; c.3335+4C>A; c.3335+8A>G] is a founder allele in the First Nations population. It was reported in the homozygous state in several patients with Ritscher-Schinzel syndrome and in a large number of apparently unaffected heterozygotes (Elliott et al. 2013. PubMed ID: 24065355). RNA studies indicated, that this haplotype was associated with exon-skipping. The c.3335+2T>A variant has not been reported in a large population database, indicating this variant is rare. Variants that disrupt the consensus splice donor site in WASHC5 are expected to be pathogenic. The c.3335+2T>A variant is interpreted as pathogenic.

OMIM
Classification: Pathogenic for RITSCHER-SCHINZEL SYNDROME 1. Last evaluated: 2013-12-01. Review status: no assertion criteria provided. Collection method: literature only. Allele origin: germline. Not counted in ClinVar's aggregate classification.

GeneReviews
No classification provided. Condition: Ritscher-Schinzel syndrome 1. Review status: no classification provided. Collection method: literature only. Allele origin: germline. Not counted in ClinVar's aggregate classification.

Literature cited by the submitters: PubMed 24065355 (cited by OMIM and GeneReviews); PubMed 7604842 (cited by OMIM); PubMed 31971710 (cited by GeneReviews).